The following is an entry in ClinVar:

NM_000245.4(MET):c.4135G>C (p.Val1379Leu)

Gene: MET (MET proto-oncogene, receptor tyrosine kinase; plus strand). Cytogenetic location: 7q31.2.
Variant type: single nucleotide variant.
Coding change: c.4135G>C on transcript NM_000245.4 (MANE Select); coding-DNA position 4135, G replaced by C.
Protein change: p.Val1379Leu; replaces valine 1379 with leucine.
Molecular consequence: missense variant.
Genome position (GRCh38, 1-based): chr7:116,796,086, G>C. VCF-style: chr7-116796086-G-C. GRCh37 (hg19) VCF-style: chr7-116436140-G-C.
Other names: c.4189G>C, p.Val1397Leu (NM_001127500.3); c.2845G>C, p.Val949Leu (NM_001324402.2); short protein forms V949L, V1379L, V1397L.
Identifiers: ClinVar variation 2567717 (VCV002567717.4), dbSNP rs1554402266, ClinGen allele CA369118466.

ClinVar aggregate classification (germline): Uncertain significance. Review status: criteria provided, multiple submitters, no conflicts (2 of 4 stars). 2 submissions from 2 submitters: Uncertain significance (2). Last evaluated 2024-11-11.

Conditions:
Hereditary cancer-predisposing syndrome. Also called: Hereditary neoplastic syndrome; Hereditary Cancer Syndrome; Neoplastic Syndromes, Hereditary; Tumor predisposition. Identifiers: Orphanet 140162, MedGen C0027672, MeSH D009386, MONDO:0015356.
Renal cell carcinoma. Identifiers: Orphanet 217071, MedGen C0007134, MeSH D002292, MONDO:0005086, HP:0005584.

Submissions (2):

Labcorp Genetics (formerly Invitae), Labcorp
Classification: Uncertain significance for Renal cell carcinoma. Last evaluated: 2024-11-11. Review status: criteria provided, single submitter. Criteria: Invitae Variant Classification Sherloc (09022015). Collection method: clinical testing. Allele origin: germline.
Comment: This sequence change replaces valine, which is neutral and non-polar, with leucine, which is neutral and non-polar, at codon 1397 of the MET protein (p.Val1397Leu). This variant is not present in population databases (gnomAD no frequency). This variant has not been reported in the literature in individuals affected with MET-related conditions. ClinVar contains an entry for this variant (Variation ID: 2567717). An algorithm developed to predict the effect of missense changes on protein structure and function outputs the following: PolyPhen-2: "Benign". The leucine amino acid residue is found in multiple mammalian species, which suggests that this missense change does not adversely affect protein function. In summary, the available evidence is currently insufficient to determine the role of this variant in disease. Therefore, it has been classified as a Variant of Uncertain Significance.

Ambry Genetics
Classification: Uncertain significance for Hereditary cancer-predisposing syndrome. Last evaluated: 2023-06-12. Review status: criteria provided, single submitter. Criteria: Ambry Variant Classification Scheme 2023. Collection method: clinical testing. Allele origin: germline.
Comment: The p.V1397L variant (also known as c.4189G>C), located in coding exon 20 of the MET gene, results from a G to C substitution at nucleotide position 4189. The valine at codon 1397 is replaced by leucine, an amino acid with highly similar properties. This amino acid position is conserved. In addition, this alteration is predicted to be tolerated by in silico analysis. Since supporting evidence is limited at this time, the clinical significance of this alteration remains unclear.